The following is an entry in ClinVar:

ClinVar aggregate classification (germline): Conflicting classifications of pathogenicity. Review status: criteria provided, conflicting classifications (1 of 4 stars). 8 submissions from 8 submitters: Pathogenic (1); Likely pathogenic (1); Uncertain significance (5). 1 of the submissions does not count toward it. Last evaluated 2026-09-01.

Conditions:
Decreased circulating alkaline phosphatase activity. Identifiers: MedGen C1860130, HP:0003282.
Adult hypophosphatasia. Identifiers: Orphanet 247676, Orphanet 436, MedGen C0268413, MONDO:1010154, OMIM 146300, MONDO:0007798.
Childhood hypophosphatasia. Identifiers: Orphanet 247667, Orphanet 436, MedGen C0220743, MONDO:1010168, OMIM 241510, MONDO:0009428.
Infantile hypophosphatasia. Identifiers: Orphanet 247651, Orphanet 436, MedGen C0268412, MONDO:1010169, OMIM 241500, MONDO:0009427.
Hypophosphatasia. Also called: Phosphoethanol-aminuria. Identifiers: Orphanet 436, MedGen C0020630, MeSH D007014, MONDO:0018570.

Allele frequency attached by ClinVar (database versions not stated): gnomAD 0.00001; TOPMed 0.00001; gnomAD exomes 0.00002 and 0.00004; ExAC 0.00006.

Submissions (8):

Genomenon, Inc
Classification: Uncertain significance for Hypophosphatasia. Last evaluated: 2026-09-01. Review status: criteria provided, single submitter. Criteria: Genomenon Sequence Variant Interpretation Standards - Updated. Collection method: curation. Allele origin: germline. Affected: no.
Comment: ALPL p.Gly360Arg (c.1078G>A) is a missense variant that changes the amino acid at codon 360 from Glycine to Arginine. This variant has been reported in the published literature (PMID:32160374). It is absent or not present at a significant frequency in gnomAD. In conclusion, we classify ALPL p.Gly360Arg (c.1078G>A) as a variant of uncertain significance.

JKU Lab, Dept of Paediatrics, Johannes Kepler University
Classification: Uncertain significance for Hypophosphatasia. Last evaluated: 2025-10-23. Review status: criteria provided, single submitter. Criteria: ACMG Guidelines, 2015. Collection method: curation. Allele origin: germline. Affected: yes.
Comment: This missense variant is present in GnomAD 4.1 (f = 1.9206e-05) and affects a highly conserved amino acid, in an unknown functional domain. The variant is not predicted to affect protein function (REVEL score: 0.360). Splice-prediction algorithms predict no effect on splicing. This variant has been reported in the literature in individuals affected with ALPL-related conditions (PMID:20089612, 20089612).

Labcorp Genetics (formerly Invitae), Labcorp
Classification: Pathogenic. Last evaluated: 2025-08-18. Review status: criteria provided, single submitter. Criteria: Invitae Variant Classification Sherloc (09022015). Collection method: clinical testing. Allele origin: germline.
Comment: This sequence change replaces glycine, which is neutral and non-polar, with arginine, which is basic and polar, at codon 360 of the ALPL protein (p.Gly360Arg). This variant is present in population databases (rs749989499, gnomAD 0.02%). This missense change has been observed in individual(s) with hypophosphatasia (internal data). ClinVar contains an entry for this variant (Variation ID: 637014). Invitae Evidence Modeling of protein sequence and biophysical properties (such as structural, functional, and spatial information, amino acid conservation, physicochemical variation, residue mobility, and thermodynamic stability) indicates that this missense variant is expected to disrupt ALPL protein function with a positive predictive value of 95%. For these reasons, this variant has been classified as Pathogenic.

Women's Health and Genetics/Laboratory Corporation of America, LabCorp
Classification: Likely pathogenic for Hypophosphatasia. Last evaluated: 2025-08-15. Review status: criteria provided, single submitter. Criteria: LabCorp Variant Classification Summary - May 2015. Collection method: clinical testing. Allele origin: germline.
Comment: Variant summary: ALPL c.1078G>A (p.Gly360Arg) results in a non-conservative amino acid change in the encoded protein sequence. Algorithms developed to predict the effect of missense changes on protein structure and function are either unavailable or do not agree on the potential impact of this missense change. The variant allele was found at a frequency of 3.6e-05 in 251478 control chromosomes (gnomAD). c.1078G>A has been observed in individual(s) affected with Hypophosphatasia (Labcorp [formerly Invitae] internal case(s)). These data indicate that the variant may be associated with disease. At least one publication reports experimental evidence evaluating an impact on protein function, demonstrating that the variant resulted in about 70% of normal activity (Del Angel_2020). The following publication have been ascertained in the context of this evaluation (PMID: 32160374). ClinVar contains an entry for this variant (Variation ID: 637014). Based on the evidence outlined above, the variant was classified as likely pathogenic.

Blueprint Genetics
Classification: Uncertain significance. Last evaluated: 2022-12-09. Review status: criteria provided, single submitter. Criteria: ACMG Guidelines, 2015. Collection method: clinical testing. Allele origin: germline.

CeGaT Center for Human Genetics Tuebingen
Classification: Uncertain significance. Last evaluated: 2022-10-01. Review status: criteria provided, single submitter. Criteria: CeGaT Center For Human Genetics Tuebingen Variant Classification Criteria Version 2. Collection method: clinical testing. Allele origin: germline. Affected: yes. Observed: 1 variant allele.
Comment: ALPL: PM1, PM2

Fulgent Genetics
Classification: Uncertain significance for Adult hypophosphatasia; Infantile hypophosphatasia; Childhood hypophosphatasia. Last evaluated: 2022-04-08. Review status: criteria provided, single submitter. Criteria: ACMG Guidelines, 2015. Collection method: clinical testing. Allele origin: unknown.

Institute of Human Genetics, University of Wuerzburg
Classification: Uncertain significance for Decreased circulating alkaline phosphatase activity. Review status: no assertion criteria provided. Collection method: clinical testing. Allele origin: unknown. Not counted in ClinVar's aggregate classification.

Literature cited by the submitters: PubMed 32160374 (cited by Genomenon, Inc and Women's Health and Genetics/Laboratory Corporation of America, LabCorp); PubMed 20089612 (cited by JKU Lab, Dept of Paediatrics, Johannes Kepler University).

NM_000478.6(ALPL):c.1078G>A (p.Gly360Arg)

Gene: ALPL (alkaline phosphatase, biomineralization associated; plus strand). Cytogenetic location: 1p36.12.
Variant type: single nucleotide variant.
Coding change: c.1078G>A on transcript NM_000478.6 (MANE Select); coding-DNA position 1078, G replaced by A.
Protein change: p.Gly360Arg; replaces glycine 360 with arginine.
Molecular consequence: missense variant.
Genome position (GRCh38, 1-based): chr1:21,575,813, G>A. VCF-style: chr1-21575813-G-A. GRCh37 (hg19) VCF-style: chr1-21902306-G-A.
Other names: c.913G>A, p.Gly305Arg (NM_001127501.4); c.847G>A, p.Gly283Arg (NM_001177520.3); c.1078G>A, p.Gly360Arg (NM_001369803.2, NM_001369804.2, NM_001369805.2); short protein forms G360R, G283R, G305R.
Identifiers: ClinVar variation 637014 (VCV000637014.38), dbSNP rs749989499, ClinGen allele CA666730.